The following is an entry in ClinVar:

NM_001267550.2(TTN):c.89504-2A>G

Genes: TTN (titin; minus strand), TTN-AS1 (TTN antisense RNA 1; plus strand). Cytogenetic location: 2q31.2.
Variant type: single nucleotide variant.
Coding change: c.89504-2A>G on transcript NM_001267550.2 (MANE Select); the canonical splice acceptor site of the intron before coding-DNA position 89504, A replaced by G.
Molecular consequence: splice acceptor variant.
Genome position (GRCh38, 1-based): chr2:178,553,398, T>C on the plus strand (A>G on the coding strand, the complement: TTN is on the minus strand). VCF-style: chr2-178553398-T-C. GRCh37 (hg19) VCF-style: chr2-179418125-T-C.
Other names: c.62309-2A>G (NM_003319.4); c.62885-2A>G (NM_133437.4); c.62684-2A>G (NM_133432.3); c.81800-2A>G (NM_133378.4); c.84581-2A>G (NM_001256850.1).
Identifiers: ClinVar variation 5037775 (VCV005037775.1), dbSNP rs2469323637.
Genomic context (GRCh38, chr2:178,553,398, plus strand): 5'-ACCAGCTTTGGCAATAACAGAAGTTCTGAGAGCCACATCCAGGTCAATCTCTGGTGCCTC[T>C]GTAGACATAAAATGGATACATACAGTGAATTTTAAAAGCAAAAAAGAGTGATTTCCTGGA-3'

ClinVar aggregate classification (germline): Uncertain significance (1 of 4 stars; one submission).

Conditions:
Cardiovascular phenotype. Identifiers: MedGen CN230736.

gnomAD v4.1: 3 of 1,588,028 alleles (0.00019%); highest among the groups gnomAD compares: Non-Finnish European, 0.00026%; no homozygotes.

Submission:

Molecular Diagnostic Laboratory for Inherited Cardiovascular Disease, Montreal Heart Institute
Classification: Uncertain significance for Cardiovascular phenotype. Last evaluated: 2026-09-21. Review status: criteria provided, single submitter. Criteria: ACMG Guidelines, 2015. Collection method: clinical testing. Allele origin: germline. Affected: yes.
Comment: PVS1_mod, PS4_supp, PM2